The following is an entry in ClinVar:

NM_015602.4(TOR1AIP1):c.965-3T>C

Gene: TOR1AIP1 (torsin 1A interacting protein 1; plus strand). Cytogenetic location: 1q25.2.
Variant type: single nucleotide variant.
Coding change: c.965-3T>C on transcript NM_015602.4 (MANE Select); 3 bases into the intron before coding-DNA position 965, T replaced by C.
Molecular consequence: intron variant.
Genome position (GRCh38, 1-based): chr1:179,917,449, T>C. VCF-style: chr1-179917449-T-C. GRCh37 (hg19) VCF-style: chr1-179886584-T-C.
Other names: c.968-3T>C (NM_001267578.2).
Identifiers: ClinVar variation 1373679 (VCV001373679.5), dbSNP rs755443913, ClinGen allele CA1269071.

ClinVar aggregate classification (germline): Uncertain significance (1 of 4 stars; one submission).

Conditions:
Autosomal recessive limb-girdle muscular dystrophy type 2Y (MRRSDC). Also called: Muscular dystrophy, limb-girdle, type 2y; Muscular dystrophy, autosomal recessive, with rigid spine and distal joint contractures. Identifiers: Orphanet 424261, MedGen C4511482, MONDO:0014900, OMIM 617072.

Allele frequency attached by ClinVar (database versions not stated): gnomAD exomes 0.00001; ExAC 0.00002.
gnomAD v4.1: 15 of 1,608,588 alleles (0.00093%); highest among the groups gnomAD compares: Non-Finnish European, 0.001%; no homozygotes.

Submission:

Labcorp Genetics (formerly Invitae), Labcorp
Classification: Uncertain significance for Autosomal recessive limb-girdle muscular dystrophy type 2Y. Last evaluated: 2021-08-15. Review status: criteria provided, single submitter. Criteria: Invitae Variant Classification Sherloc (09022015). Collection method: clinical testing. Allele origin: germline.
Comment: In summary, the available evidence is currently insufficient to determine the role of this variant in disease. Therefore, it has been classified as a Variant of Uncertain Significance. Variants that disrupt the consensus splice site are a relatively common cause of aberrant splicing (PMID: 17576681, 9536098). Algorithms developed to predict the effect of sequence changes on RNA splicing suggest that this variant is not likely to affect RNA splicing. This variant has not been reported in the literature in individuals affected with TOR1AIP1-related conditions. This variant is present in population databases (rs755443913, ExAC 0.003%). This sequence change falls in intron 9 of the TOR1AIP1 gene. It does not directly change the encoded amino acid sequence of the TOR1AIP1 protein. It affects a nucleotide within the consensus splice site of the intron.

Literature cited by the submitters: PubMed 17576681; PubMed 9536098.